The following is an entry in ClinVar:

ClinVar aggregate classification (germline): Pathogenic/Likely pathogenic. Review status: criteria provided, multiple submitters, no conflicts (2 of 4 stars). 3 submissions from 3 submitters: Pathogenic (2); Likely pathogenic (1). Last evaluated 2026-01-14.

Conditions:
Hypertrophic cardiomyopathy. Also called: HYPERTROPHIC MYOCARDIOPATHY. Identifiers: Orphanet 217569, MedGen C0007194, MeSH D002312, MONDO:0005045, HP:0001639.

Submissions (3):

Labcorp Genetics (formerly Invitae), Labcorp
Classification: Pathogenic for Hypertrophic cardiomyopathy. Last evaluated: 2026-01-14. Review status: criteria provided, single submitter. Criteria: Invitae Variant Classification Sherloc (09022015). Collection method: clinical testing. Allele origin: germline.
Comment: This sequence change creates a premature translational stop signal (p.Leu156Profs*85) in the MYBPC3 gene. It is expected to result in an absent or disrupted protein product. Loss-of-function variants in MYBPC3 are known to be pathogenic (PMID: 19574547). This variant is not present in population databases (gnomAD no frequency). This variant has not been reported in the literature in individuals affected with MYBPC3-related conditions. ClinVar contains an entry for this variant (Variation ID: 179709). For these reasons, this variant has been classified as Pathogenic.

GeneDx
Classification: Likely pathogenic. Last evaluated: 2022-05-20. Review status: criteria provided, single submitter. Criteria: GeneDx Variant Classification Process June 2021. Collection method: clinical testing. Allele origin: germline. Affected: yes.
Comment: Has not been previously published as pathogenic or benign to our knowledge; Not observed at significant frequency in large population cohorts (gnomAD); Frameshift variant predicted to result in protein truncation or nonsense mediated decay in a gene for which loss of function is a known mechanism of disease

Laboratory for Molecular Medicine, Mass General Brigham Personalized Medicine
Classification: Pathogenic for Hypertrophic cardiomyopathy. Last evaluated: 2014-08-22. Review status: criteria provided, single submitter. Criteria: LMM Criteria. Collection method: clinical testing. Allele origin: germline. Inheritance: Autosomal dominant inheritance. Observed: 1 variant allele.
Comment: proposed classification - variant undergoing re-assessment, contact laboratory

Literature cited by the submitters: PubMed 19574547 (cited by Labcorp Genetics (formerly Invitae), Labcorp).

NM_000256.3(MYBPC3):c.466dup (p.Leu156Profs)

Gene: MYBPC3 (myosin binding protein C3; minus strand). Cytogenetic location: 11p11.2.
Variant type: Duplication.
Coding change: c.466dup on transcript NM_000256.3 (MANE Select); coding-DNA position 466, one base duplicated (C; older notation c.466dupC).
Protein change: p.Leu156Profs; shifts the reading frame from leucine 156.
Genome position (GRCh38, 1-based): chr11:47,350,053, G duplicated on the plus strand (C on the coding strand, the reverse complement: MYBPC3 is on the minus strand); the first of 2 consecutive G bases (chr11:47,350,053-47,350,054); duplicating either gives the same sequence. VCF-style (leftmost placement, unchanged base first): chr11-47350052-A-AG. GRCh37 (hg19) VCF-style: chr11-47371603-A-AG.
Other names: NM_000256.3:c.466dupC; p.Leu156ProfsX85; c.466dup, p.Leu156fs (LRG_386t1); short protein forms L156fs.
Identifiers: ClinVar variation 179709 (VCV000179709.12), dbSNP rs730880366, ClinGen allele CA015167.
Genomic context (GRCh38, chr11:47,350,052, plus strand): 5'-GGGCACAGCAGCTCACACTCACCCACGGTCACCTCGCCATCCTGTGGCCGCATCACGAAG[A>AG]GGCCAATGGGGTCATCGGGGGCTCCAGGGGTAGGACCATTGAGAGCTGCTGAGCTTGACC-3'